The following is an entry in ClinVar:

NM_001365276.2(TNXB):c.4352C>T (p.Pro1451Leu)

Gene: TNXB (tenascin XB; minus strand). Cytogenetic location: 6p21.33.
Variant type: single nucleotide variant.
Coding change: c.4352C>T on transcript NM_001365276.2 (MANE Select); coding-DNA position 4352, C replaced by T.
Protein change: p.Pro1451Leu; replaces proline 1451 with leucine.
Molecular consequence: missense variant.
Genome position (GRCh38, 1-based): chr6:32,079,056, G>A on the plus strand (C>T on the coding strand, the complement: TNXB is on the minus strand). VCF-style: chr6-32079056-G-A. GRCh37 (hg19) VCF-style: chr6-32046833-G-A.
Other names: c.5093C>T, p.Pro1698Leu (NM_001428335.1); c.4352C>T, p.Pro1451Leu (NM_019105.8); short protein forms P1698L, P1451L.
Identifiers: ClinVar variation 3459910 (VCV003459910.1).

ClinVar aggregate classification (germline): Uncertain significance (1 of 4 stars; one submission).

Conditions:
Cardiovascular phenotype. Identifiers: MedGen CN230736.

Submission:

Ambry Genetics
Classification: Uncertain significance for Cardiovascular phenotype. Last evaluated: 2024-11-10. Review status: criteria provided, single submitter. Criteria: Ambry Variant Classification Scheme 2023. Collection method: clinical testing. Allele origin: germline.
Comment: The p.P1451L variant (also known as c.4352C>T), located in coding exon 10 of the TNXB gene, results from a C to T substitution at nucleotide position 4352. The proline at codon 1451 is replaced by leucine, an amino acid with similar properties. This amino acid position is conserved. In addition, this alteration is predicted to be tolerated by in silico analysis. Based on the available evidence, the clinical significance of this variant remains unclear.